The following is an entry in ClinVar:

ClinVar aggregate classification (germline): Uncertain significance (1 of 4 stars; one submission).

Allele frequency attached by ClinVar (database versions not stated): TOPMed below 0.00001.
gnomAD v4.1: 2 of 1,605,502 alleles (0.00012%); highest among the groups gnomAD compares: Admixed American, 0.0033%; no homozygotes.

Submission:

Women's Health and Genetics/Laboratory Corporation of America, LabCorp
Classification: Uncertain significance. Last evaluated: 2023-12-12. Review status: criteria provided, single submitter. Criteria: LabCorp Variant Classification Summary - May 2015. Collection method: clinical testing. Allele origin: germline.
Comment: Variant summary: GRIA1 c.1215G>C (p.Gln405His) results in a non-conservative amino acid change in the encoded protein sequence. Three of five in-silico tools predict a damaging effect of the variant on protein function. The variant allele was found at a frequency of 1.2e-05 in 251050 control chromosomes (gnomAD). The available data on variant occurrences in the general population are insufficient to allow any conclusion about variant significance. To our knowledge, no occurrence of c.1215G>C in individuals affected with Autosomal Dominant Intellectual Developmental Disorder and no experimental evidence demonstrating its impact on protein function have been reported. No submitters have cited clinical-significance assessments for this variant to ClinVar after 2014. Based on the evidence outlined above, the variant was classified as uncertain significance.

NM_000827.4(GRIA1):c.1215G>C (p.Gln405His)

Gene: GRIA1 (glutamate ionotropic receptor AMPA type subunit 1; plus strand). Cytogenetic location: 5q33.2.
Variant type: single nucleotide variant.
Coding change: c.1215G>C on transcript NM_000827.4 (MANE Select); coding-DNA position 1215, G replaced by C.
Protein change: p.Gln405His; replaces glutamine 405 with histidine.
Molecular consequence: missense variant. On other transcripts: non-coding transcript variant (2).
Genome position (GRCh38, 1-based): chr5:153,698,124, G>C. VCF-style: chr5-153698124-G-C. GRCh37 (hg19) VCF-style: chr5-153077684-G-C.
Other names: c.1215G>C, p.Gln405His (NM_001114183.2); c.975G>C, p.Gln325His (NM_001258019.2); c.930G>C, p.Gln310His (NM_001258020.2); c.1245G>C, p.Gln415His (NM_001258021.2, NM_001258022.2); c.1008G>C, p.Gln336His (NM_001258023.1, NM_001364167.2); c.1047G>C, p.Gln349His (NM_001364165.2); c.1242G>C, p.Gln414His (NM_001364166.2); short protein forms Q310H, Q325H, Q336H, Q349H, Q405H, Q414H, Q415H.
Identifiers: ClinVar variation 2691630 (VCV002691630.1), dbSNP rs764951842, ClinGen allele CA3524546.